The following is an entry in ClinVar:

ClinVar aggregate classification (germline): Benign/Likely benign. Review status: criteria provided, multiple submitters, no conflicts (2 of 4 stars). 5 submissions from 5 submitters: Benign (3); Likely benign (2). Last evaluated 2026-02-01.

Conditions:
Imerslund-Grasbeck syndrome type 1 (IGS1). Also called: Megaloblastic anemia 1, Finnish type; MEGALOBLASTIC ANEMIA, 1; Imerslund-Gräsbeck syndrome 1. Identifiers: MedGen C4016819, MONDO:0100156, OMIM 261100.
Imerslund-Grasbeck syndrome. Also called: Megaloblastic anemia due to inborn errors of metabolism; Imerslund-Gräsbeck syndrome; ENTEROCYTE COBALAMIN MALABSORPTION; ENTEROCYTE INTRINSIC FACTOR RECEPTOR, DEFECT OF; PERNICIOUS ANEMIA, JUVENILE, DUE TO SELECTIVE INTESTINAL MALABSORPTION OF VITAMIN B12, WITH PROTEINURIA. Identifiers: Orphanet 35858, MedGen C4551825, MONDO:0009853.

Allele frequency attached by ClinVar (database versions not stated): ESP Exome Variant Server 0.00715; gnomAD exomes 0.00067 and 0.00162; gnomAD 0.00681 and 0.00627; ExAC 0.00194; 1000 Genomes Project 30x 0.00484; 1000 Genomes Project 0.00499; TOPMed 0.00764.
gnomAD v4.1: 1,978 of 1,613,804 alleles (0.12%); highest among the groups gnomAD compares: African/African-American, 2.3%; 27 homozygotes.

Submissions (5):

Labcorp Genetics (formerly Invitae), Labcorp
Classification: Benign for Imerslund-Grasbeck syndrome. Last evaluated: 2026-02-01. Review status: criteria provided, single submitter. Criteria: Invitae Variant Classification Sherloc (09022015). Collection method: clinical testing. Allele origin: germline.

ARUP Laboratories, Molecular Genetics and Genomics, ARUP Laboratories
Classification: Benign. Last evaluated: 2023-11-29. Review status: criteria provided, single submitter. Criteria: ARUP Molecular Germline Variant Investigation Process 2024. Collection method: clinical testing. Allele origin: germline.

GeneDx
Classification: Likely benign. Last evaluated: 2019-12-29. Review status: criteria provided, single submitter. Criteria: GeneDx Variant Classification Process June 2021. Collection method: clinical testing. Allele origin: germline. Affected: yes.

Illumina Laboratory Services, Illumina
Classification: Benign for Imerslund-Grasbeck syndrome type 1. Last evaluated: 2018-01-12. Review status: criteria provided, single submitter. Criteria: ICSL Variant Classification Criteria 13 December 2019. Collection method: clinical testing. Allele origin: germline.
Comment: This variant was observed in the ICSL laboratory as part of a predisposition screen in an ostensibly healthy population. It had not been previously curated by ICSL or reported in the Human Gene Mutation Database (HGMD: prior to June 1st, 2018), and was therefore a candidate for classification through an automated scoring system. Utilizing variant allele frequency, disease prevalence and penetrance estimates, and inheritance mode, an automated score was calculated to assess if this variant is too frequent to cause the disease. Based on the score and internal cut-off values, a variant classified as benign is not then subjected to further curation. The score for this variant resulted in a classification of benign for this disease.

Breakthrough Genomics
Classification: Likely benign. Review status: criteria provided, single submitter. Criteria: ACMG Guidelines, 2015. Collection method: not provided. Allele origin: germline. Inheritance: Autosomal recessive inheritance. Affected: yes.

NM_001081.4(CUBN):c.5098G>A (p.Asp1700Asn)

Gene: CUBN (cubilin; minus strand). Cytogenetic location: 10p13.
Variant type: single nucleotide variant.
Coding change: c.5098G>A on transcript NM_001081.4 (MANE Select); coding-DNA position 5098, G replaced by A.
Protein change: p.Asp1700Asn; replaces aspartic acid 1700 with asparagine.
Molecular consequence: missense variant.
Genome position (GRCh38, 1-based): chr10:16,948,589, C>T on the plus strand (G>A on the coding strand, the complement: CUBN is on the minus strand). VCF-style: chr10-16948589-C-T. GRCh37 (hg19) VCF-style: chr10-16990588-C-T.
Other names: short protein forms D1700N.
Identifiers: ClinVar variation 299471 (VCV000299471.26), dbSNP rs116114483, ClinGen allele CA5424127.